The following is an entry in ClinVar:

NM_000051.4(ATM):c.6072G>C (p.Gly2024=)

Genes: ATM (ATM serine/threonine kinase; plus strand), C11orf65 (chromosome 11 open reading frame 65; minus strand). Cytogenetic location: 11q22.3.
Variant type: single nucleotide variant.
Coding change: c.6072G>C on transcript NM_000051.4 (MANE Select); coding-DNA position 6072, G replaced by C.
Protein change: p.Gly2024=; no amino-acid change (glycine 2024 retained).
Molecular consequence: synonymous variant. On other transcripts: intron variant (2).
Genome position (GRCh38, 1-based): chr11:108,315,888, G>C. VCF-style: chr11-108315888-G-C. GRCh37 (hg19) VCF-style: chr11-108186615-G-C.
Other names: c.6072G>C, p.Gly2024= (NM_001351834.2); c.641-6817C>G (NM_001330368.2); c.*39-6817C>G (NM_001351110.2).
Identifiers: ClinVar variation 3254120 (VCV003254120.1), dbSNP rs1591777129.
Genomic context (GRCh38, chr11:108,315,888, plus strand): 5'-TCTCTTAGAAATCTACAGAAGTATAGGGGAGCCAGATAGTTTGTATGGCTGTGGTGGAGG[G>C]AAGATGTTACAACCCATTACTAGGTAAATTGCATTTTTCTAAACAACGGTATAGTAATTC-3'
Protein context (NP_000042.3, residues 2014-2034): EPDSLYGCGG[Gly2024=]KMLQPITRLR

ClinVar aggregate classification (germline): Benign (1 of 4 stars; one submission).

Conditions:
Familial cancer of breast. Also called: hereditary breast carcinoma; BREAST CANCER, FAMILIAL; Hereditary breast cancer. Identifiers: Orphanet 227535, MedGen C0346153, MONDO:0016419, OMIM 114480. Disease mechanism: loss of function.

Allele frequency attached by ClinVar (database versions not stated): gnomAD exomes below 0.00001.
gnomAD v4.1: 4 of 1,612,620 alleles (0.00025%); highest among the groups gnomAD compares: Non-Finnish European, 0.00034%; no homozygotes.

Submission:

Myriad Genetics, Inc.
Classification: Benign for Familial cancer of breast. Last evaluated: 2024-05-30. Review status: criteria provided, single submitter. Criteria: Myriad Autosomal Dominant, Autosomal Recessive and X-Linked Classification Criteria (2023). Collection method: clinical testing. Allele origin: unknown.
Comment: This variant is considered benign. This variant is a silent/synonymous amino acid change and it is not expected to impact splicing.